The following is an entry in ClinVar:

NM_001098.3(ACO2):c.2250_2254del (p.Glu750fs)

Genes: ACO2 (aconitase 2; plus strand), POLR3H (RNA polymerase III subunit H; minus strand). Cytogenetic location: 22q13.2.
Variant type: Deletion.
Coding change: c.2250_2254del on transcript NM_001098.3 (MANE Select); coding-DNA positions 2250 to 2254, 5 bases deleted (GACCA; older notation c.2250_2254delGACCA).
Protein change: p.Glu750fs; shifts the reading frame from glutamic acid 750.
Molecular consequence: frameshift variant. On other transcripts: 3 prime UTR variant (5).
Genome position (GRCh38, 1-based): chr22:41,528,520-41,528,524, GACCA deleted; deleting any 5 consecutive bases within chr22:41,528,519-41,528,524 gives the same sequence; the c. name uses the placement nearest the transcript's 3' end. VCF-style (leftmost placement, unchanged base first): chr22-41528518-GAGACC-G. GRCh37 (hg19) VCF-style: chr22-41924522-GAGACC-G.
Other names: c.*760_*764del (NM_001018050.4, NM_001018052.4, NM_001282884.2 and 2 more transcripts); short protein forms E750fs.
Identifiers: ClinVar variation 4726301 (VCV004726301.1).

ClinVar aggregate classification (germline): Uncertain significance (1 of 4 stars; one submission).

Submission:

Labcorp Genetics (formerly Invitae), Labcorp
Classification: Uncertain significance. Last evaluated: 2025-08-29. Review status: criteria provided, single submitter. Criteria: Invitae Variant Classification Sherloc (09022015). Collection method: clinical testing. Allele origin: germline.
Comment: This sequence change creates a premature translational stop signal (p.Glu750Aspfs*13) in the ACO2 gene. While this is not anticipated to result in nonsense mediated decay, it is expected to disrupt the last 31 amino acid(s) of the ACO2 protein. This variant is not present in population databases (gnomAD no frequency). This variant has not been reported in the literature in individuals affected with ACO2-related conditions. Experimental studies and prediction algorithms are not available or were not evaluated, and the functional significance of this variant is currently unknown. This variant disrupts a region of the ACO2 protein in which other variant(s) (p.Ala768Asp) have been observed in individuals with ACO2-related conditions (PMID: 35368710). This suggests that this is a clinically significant region of the protein, and that variants that disrupt it are likely to be disease-causing. In summary, the available evidence is currently insufficient to determine the role of this variant in disease. Therefore, it has been classified as a Variant of Uncertain Significance.

Literature cited by the submitters: PubMed 35368710.